The following is an entry in ClinVar:

NM_014844.5(TECPR2):c.2514G>C (p.Pro838=)

Genes: TECPR2 (tectonin beta-propeller repeat containing 2; plus strand), LOC130056519 (ATAC-STARR-seq lymphoblastoid silent region 6116; plus strand). Cytogenetic location: 14q32.31.
Variant type: single nucleotide variant.
Coding change: c.2514G>C on transcript NM_014844.5 (MANE Select); coding-DNA position 2514, G replaced by C.
Protein change: p.Pro838=; no amino-acid change (proline 838 retained).
Molecular consequence: synonymous variant.
Genome position (GRCh38, 1-based): chr14:102,438,141, G>C. VCF-style: chr14-102438141-G-C. GRCh37 (hg19) VCF-style: chr14-102904478-G-C.
Other names: c.2514G>C, p.Pro838= (NM_001172631.3).
Identifiers: ClinVar variation 696500 (VCV000696500.14), dbSNP rs140913653, ClinGen allele CA7357946.

ClinVar aggregate classification (germline): Likely benign. Review status: criteria provided, multiple submitters, no conflicts (2 of 4 stars). 3 submissions from 3 submitters: Likely benign (2). 1 of the submissions does not count toward it. Last evaluated 2026-09-01.

Conditions:
Hereditary spastic paraplegia 49 (HSAN9). Also called: TECPR2-Related Hereditary Sensory and Autonomic Neuropathy with Intellectual Disability; Spastic paraplegia 49, autosomal recessive; NEUROPATHY, HEREDITARY SENSORY AND AUTONOMIC, TYPE IX, WITH DEVELOPMENTAL DELAY. Identifiers: Orphanet 320385, MedGen C5190860, MONDO:0014016, OMIM 615031.

Allele frequency attached by ClinVar (database versions not stated): gnomAD 0.00006; TOPMed 0.00018.
gnomAD v4.1: 475 of 1,613,572 alleles (0.029%); highest among the groups gnomAD compares: Non-Finnish European, 0.039%; no homozygotes.

Submissions (3):

CeGaT Center for Human Genetics Tuebingen
Classification: Likely benign. Last evaluated: 2026-09-01. Review status: criteria provided, single submitter. Criteria: CeGaT Center For Human Genetics Tuebingen Variant Classification Criteria Version 2. Collection method: clinical testing. Allele origin: germline. Affected: yes. Observed: 1 variant allele.
Comment: TECPR2: BP4, BP7

Labcorp Genetics (formerly Invitae), Labcorp
Classification: Likely benign for Hereditary spastic paraplegia 49. Last evaluated: 2024-04-16. Review status: criteria provided, single submitter. Criteria: Invitae Variant Classification Sherloc (09022015). Collection method: clinical testing. Allele origin: germline.

Natera, Inc.
Classification: Uncertain significance for Autosomal recessive spastic paraplegia type 49. Last evaluated: 2020-01-24. Review status: no assertion criteria provided. Collection method: clinical testing. Allele origin: germline. Not counted in ClinVar's aggregate classification.